The following is an entry in ClinVar:

NM_000066.4(C8B):c.886C>T (p.Arg296Cys)

Gene: C8B (complement C8 beta chain; minus strand). Cytogenetic location: 1p32.2.
Variant type: single nucleotide variant.
Coding change: c.886C>T on transcript NM_000066.4 (MANE Select); coding-DNA position 886, C replaced by T.
Protein change: p.Arg296Cys; replaces arginine 296 with cysteine.
Molecular consequence: missense variant.
Genome position (GRCh38, 1-based): chr1:56,946,040, G>A on the plus strand (C>T on the coding strand, the complement: C8B is on the minus strand). VCF-style: chr1-56946040-G-A. GRCh37 (hg19) VCF-style: chr1-57411713-G-A.
Other names: c.730C>T, p.Arg244Cys (NM_001278543.2); c.700C>T, p.Arg234Cys (NM_001278544.2); short protein forms R296C, R244C, R234C.
Identifiers: ClinVar variation 2068218 (VCV002068218.2), dbSNP rs147180727, ClinGen allele CA875817.

ClinVar aggregate classification (germline): Uncertain significance. Review status: criteria provided, multiple submitters, no conflicts (2 of 4 stars). 2 submissions from 2 submitters: Uncertain significance (2). Last evaluated 2024-06-07.

Conditions:
Inborn genetic diseases. Identifiers: MedGen C0950123, MeSH D030342.

Allele frequency attached by ClinVar (database versions not stated): ExAC 0.00007; ESP Exome Variant Server 0.00015.
gnomAD v4.1: 55 of 1,614,008 alleles (0.0034%); highest among the groups gnomAD compares: Middle Eastern, 0.049%; no homozygotes.

Submissions (2):

Ambry Genetics
Classification: Uncertain significance for Inborn genetic diseases. Last evaluated: 2024-06-07. Review status: criteria provided, single submitter. Criteria: Ambry Variant Classification Scheme 2023. Collection method: clinical testing. Allele origin: germline.

Labcorp Genetics (formerly Invitae), Labcorp
Classification: Uncertain significance. Last evaluated: 2021-12-21. Review status: criteria provided, single submitter. Criteria: Invitae Variant Classification Sherloc (09022015). Collection method: clinical testing. Allele origin: germline.
Comment: This sequence change replaces arginine, which is basic and polar, with cysteine, which is neutral and slightly polar, at codon 296 of the C8B protein (p.Arg296Cys). This variant is present in population databases (rs147180727, gnomAD 0.03%). This variant has not been reported in the literature in individuals affected with C8B-related conditions. Algorithms developed to predict the effect of missense changes on protein structure and function are either unavailable or do not agree on the potential impact of this missense change (SIFT: "Deleterious"; PolyPhen-2: "Benign"; Align-GVGD: "Class C0"). In summary, the available evidence is currently insufficient to determine the role of this variant in disease. Therefore, it has been classified as a Variant of Uncertain Significance.